The following is an entry in ClinVar:

ClinVar aggregate classification (germline): Uncertain significance. Review status: criteria provided, multiple submitters, no conflicts (2 of 4 stars). 2 submissions from 2 submitters: Uncertain significance (2). Last evaluated 2025-06-23.

Conditions:
Hereditary cancer-predisposing syndrome. Also called: Hereditary Cancer Syndrome; Hereditary neoplastic syndrome; Neoplastic Syndromes, Hereditary; Tumor predisposition. Identifiers: Orphanet 140162, MedGen C0027672, MeSH D009386, MONDO:0015356.

Submissions (2):

Color Diagnostics, LLC DBA Color Health
Classification: Uncertain significance for Hereditary cancer-predisposing syndrome. Last evaluated: 2025-06-23. Review status: criteria provided, single submitter. Criteria: ACMG Guidelines, 2015. Collection method: clinical testing. Allele origin: germline.
Comment: This missense variant replaces aspartic acid with histidine at codon 47 of the MSH6 protein. Computational prediction suggests that this variant may not impact protein structure and function. To our knowledge, functional studies have not been reported for this variant. This variant has not been reported in individuals affected with MSH6-related disorders in the literature. This variant has not been identified in the general population by the Genome Aggregation Database (gnomAD). The available evidence is insufficient to determine the role of this variant in disease conclusively. Therefore, this variant is classified as a Variant of Uncertain Significance.

Ambry Genetics
Classification: Uncertain significance for Hereditary cancer-predisposing syndrome. Last evaluated: 2021-10-04. Review status: criteria provided, single submitter. Criteria: Ambry Variant Classification Scheme 2023. Collection method: clinical testing. Allele origin: germline.
Comment: The p.D47H variant (also known as c.139G>C), located in coding exon 1 of the MSH6 gene, results from a G to C substitution at nucleotide position 139. The aspartic acid at codon 47 is replaced by histidine, an amino acid with similar properties. This amino acid position is not well conserved in available vertebrate species. In addition, this alteration is predicted to be tolerated by in silico analysis. Since supporting evidence is limited at this time, the clinical significance of this alteration remains unclear.

NM_000179.3(MSH6):c.139G>C (p.Asp47His)

Gene: MSH6 (mutS homolog 6; plus strand). Cytogenetic location: 2p16.3.
Variant type: single nucleotide variant.
Coding change: c.139G>C on transcript NM_000179.3 (MANE Select); coding-DNA position 139, G replaced by C.
Protein change: p.Asp47His; replaces aspartic acid 47 with histidine.
Molecular consequence: missense variant. On other transcripts: 5 prime UTR variant (1), synonymous variant (1).
Genome position (GRCh38, 1-based): chr2:47,783,372, G>C. VCF-style: chr2-47783372-G-C. GRCh37 (hg19) VCF-style: chr2-48010511-G-C.
Other names: c.139G>C, p.Asp47His (NM_001281492.2, NM_001406795.1, NM_001406796.1 and 9 more transcripts); c.-598G>C (NM_001281493.2, NM_001406811.1); c.-190G>C (NM_001406799.1); c.84G>C, p.Gly28= (NM_001406804.1); c.-790G>C (NM_001406807.1); c.-445G>C (NM_001406812.1); c.-856G>C (NM_001406814.1); c.-401G>C (NM_001406816.1); short protein forms D47H.
Identifiers: ClinVar variation 1771740 (VCV001771740.3), dbSNP rs2103938286, ClinGen allele CA346734912.
Genomic context (GRCh38, chr2:47,783,372, plus strand): 5'-GCCTCACGCGAAGGCGGCCGTGCCGCCGCTGCCCCCGGGGCCTCTCCTTCCCCAGGCGGG[G>C]ATGCGGCCTGGAGCGAGGCTGGGCCTGGGCCCAGGCCCTTGGCGCGCTCCGCGTCACCGC-3'
Protein context (NP_000170.1, residues 37-57): APGASPSPGG[Asp47His]AAWSEAGPGP